The following is an entry in ClinVar:

NM_182914.3(SYNE2):c.*662T>A

Gene: SYNE2 (spectrin repeat containing nuclear envelope protein 2; plus strand). Cytogenetic location: 14q23.2.
Variant type: single nucleotide variant.
Coding change: c.*662T>A on transcript NM_182914.3 (MANE Select); 662 bases downstream of the stop codon, T replaced by A.
Molecular consequence: 3 prime UTR variant.
Genome position (GRCh38, 1-based): chr14:64,226,188, T>A. VCF-style: chr14-64226188-T-A. GRCh37 (hg19) VCF-style: chr14-64692906-T-A.
Other names: c.*662T>A (NM_015180.6, NM_182910.2, NM_182913.4).
Identifiers: ClinVar variation 313686 (VCV000313686.6), dbSNP rs13136, ClinGen allele CA10645673.

ClinVar aggregate classification (germline): Benign. Review status: criteria provided, multiple submitters, no conflicts (2 of 4 stars). 2 submissions from 2 submitters: Benign (2). Last evaluated 2018-01-13.

Conditions:
Emery-Dreifuss muscular dystrophy 5, autosomal dominant (EDMD5). Also called: EMERY-DREIFUSS MUSCULAR DYSTROPHY 5. Identifiers: Orphanet 261, MedGen C2751805, MONDO:0013072, OMIM 612999.

Allele frequency attached by ClinVar (database versions not stated): gnomAD exomes 0.10456; gnomAD 0.11797 and 0.12054; TOPMed 0.12480; 1000 Genomes Project 0.12520; 1000 Genomes Project 30x 0.12992.
gnomAD v4.1: 18,056 of 152,610 alleles (12%); highest among the groups gnomAD compares: African/African-American, 15%; 1,125 homozygotes.

Submissions (2):

Illumina Laboratory Services, Illumina
Classification: Benign for Emery-Dreifuss muscular dystrophy 5, autosomal dominant. Last evaluated: 2018-01-13. Review status: criteria provided, single submitter. Criteria: ICSL Variant Classification Criteria 13 December 2019. Collection method: clinical testing. Allele origin: germline.
Comment: This variant was observed in the ICSL laboratory as part of a predisposition screen in an ostensibly healthy population. It had not been previously curated by ICSL or reported in the Human Gene Mutation Database (HGMD: prior to June 1st, 2018), and was therefore a candidate for classification through an automated scoring system. Utilizing variant allele frequency, disease prevalence and penetrance estimates, and inheritance mode, an automated score was calculated to assess if this variant is too frequent to cause the disease. Based on the score and internal cut-off values, a variant classified as benign is not then subjected to further curation. The score for this variant resulted in a classification of benign for this disease.

Breakthrough Genomics
Classification: Benign. Review status: criteria provided, single submitter. Criteria: ACMG Guidelines, 2015. Collection method: not provided. Allele origin: germline. Inheritance: Autosomal dominant inheritance. Affected: yes.